The following is an entry in ClinVar:

NM_001371727.1(GABRB2):c.902A>G (p.Tyr301Cys)

Gene: GABRB2 (gamma-aminobutyric acid type A receptor subunit beta2; minus strand). Cytogenetic location: 5q34.
Variant type: single nucleotide variant.
Coding change: c.902A>G on transcript NM_001371727.1 (MANE Select); coding-DNA position 902, A replaced by G.
Protein change: p.Tyr301Cys; replaces tyrosine 301 with cysteine.
Molecular consequence: missense variant.
Genome position (GRCh38, 1-based): chr5:161,331,058, T>C on the plus strand (A>G on the coding strand, the complement: GABRB2 is on the minus strand). VCF-style: chr5-161331058-T-C. GRCh37 (hg19) VCF-style: chr5-160758065-T-C.
Other names: c.902A>G, p.Tyr301Cys (NM_000813.3, NM_021911.3); short protein forms Y301C.
Identifiers: ClinVar variation 421234 (VCV000421234.53), dbSNP rs1064794996, ClinGen allele CA16618148.

ClinVar aggregate classification (germline): Pathogenic/Likely pathogenic. Review status: criteria provided, multiple submitters, no conflicts (2 of 4 stars). 6 submissions from 6 submitters: Pathogenic (5); Likely pathogenic (1). Last evaluated 2026-02-27.

Conditions:
Developmental and epileptic encephalopathy 92. Also called: EPILEPTIC ENCEPHALOPATHY, INFANTILE OR EARLY CHILDHOOD, 2. Identifiers: MedGen C4693362, MONDO:0020631, OMIM 617829.
Intellectual disability. Also called: Intellectual functioning disability; intellectual disabilities; Intellectual developmental disorder. Identifiers: MedGen C3714756, MeSH D008607, MONDO:0001071, HP:0001249.

Submissions (6):

Institute of Immunology and Genetics Kaiserslautern
Classification: Pathogenic for Developmental and epileptic encephalopathy 92. Last evaluated: 2026-02-27. Review status: criteria provided, single submitter. Criteria: ACMG Guidelines, 2015. Collection method: clinical testing. Allele origin: germline. Affected: yes.
Comment: ACMG Criteria: PS4, PM1, PM2_P, PM5, PP3; Variant was found in heterozygous state. Paternal sample was not available to test de novo status.

Greenwood Genetic Center Diagnostic Laboratories, Greenwood Genetic Center
Classification: Pathogenic for Developmental and epileptic encephalopathy 92. Last evaluated: 2025-10-14. Review status: criteria provided, single submitter. Criteria: ACMG Guidelines, 2015. Collection method: clinical testing. Allele origin: germline. Affected: yes.
Comment: PM6_Strong, PS4, PM2,

Human Genetics Bochum, Ruhr University Bochum
Classification: Pathogenic for Developmental and epileptic encephalopathy 92. Last evaluated: 2024-03-21. Review status: criteria provided, single submitter. Criteria: ACMG Guidelines, 2015. Collection method: clinical testing. Allele origin: germline. Affected: yes.
Comment: ACMG criteria used to clasify this variant: PP3_STR, PS2_MOD, PS4_MOD, PM1, PM2_SUP, PP2

GeneDx
Classification: Pathogenic. Last evaluated: 2024-03-14. Review status: criteria provided, single submitter. Criteria: GeneDx Variant Classification Process June 2021. Collection method: clinical testing. Allele origin: germline. Affected: yes.
Comment: Not observed at significant frequency in large population cohorts (gnomAD); In silico analysis supports that this missense variant has a deleterious effect on protein structure/function; This variant is associated with the following publications: (PMID: 35718920, 31036916, 31785789, 33057194, 35982159)

Labcorp Genetics (formerly Invitae), Labcorp
Classification: Pathogenic for Intellectual disability. Last evaluated: 2022-07-05. Review status: criteria provided, single submitter. Criteria: Invitae Variant Classification Sherloc (09022015). Collection method: clinical testing. Allele origin: germline.
Comment: ClinVar contains an entry for this variant (Variation ID: 421234). This sequence change replaces tyrosine, which is neutral and polar, with cysteine, which is neutral and slightly polar, at codon 301 of the GABRB2 protein (p.Tyr301Cys). This variant is not present in population databases (gnomAD no frequency). This missense change has been observed in individual(s) with clinical features of GABRB2-related conditions (PMID: 31036916, 31785789; Invitae). In at least one individual the variant was observed to be de novo. Advanced modeling of protein sequence and biophysical properties (such as structural, functional, and spatial information, amino acid conservation, physicochemical variation, residue mobility, and thermodynamic stability) performed at Invitae indicates that this missense variant is expected to disrupt GABRB2 protein function. For these reasons, this variant has been classified as Pathogenic.

CeGaT Center for Human Genetics Tuebingen
Classification: Likely pathogenic. Last evaluated: 2021-06-01. Review status: criteria provided, single submitter. Criteria: CeGaT Center For Human Genetics Tuebingen Variant Classification Criteria Version 2. Collection method: clinical testing. Allele origin: germline. Affected: yes. Observed: 2 variant alleles.

Literature cited by the submitters: PubMed 31036916 (cited by Labcorp Genetics (formerly Invitae), Labcorp); PubMed 31785789 (cited by Labcorp Genetics (formerly Invitae), Labcorp).